The following is an entry in ClinVar:

NM_001164508.2(NEB):c.2318A>G (p.Tyr773Cys)

Gene: NEB (nebulin; minus strand). Cytogenetic location: 2q23.3.
Variant type: single nucleotide variant.
Coding change: c.2318A>G on transcript NM_001164508.2 (MANE Select); coding-DNA position 2318, A replaced by G.
Protein change: p.Tyr773Cys; replaces tyrosine 773 with cysteine.
Molecular consequence: missense variant.
Genome position (GRCh38, 1-based): chr2:151,688,389, T>C on the plus strand (A>G on the coding strand, the complement: NEB is on the minus strand). VCF-style: chr2-151688389-T-C. GRCh37 (hg19) VCF-style: chr2-152544903-T-C.
Other names: p.Tyr773Cys; c.2318A>G, p.Tyr773Cys (NM_001164507.2, NM_001271208.2, NM_004543.5); short protein forms Y773C.
Identifiers: ClinVar variation 257795 (VCV000257795.23), dbSNP rs77151072, ClinGen allele CA1911247.

ClinVar aggregate classification (germline): Benign. Review status: criteria provided, multiple submitters, no conflicts (2 of 4 stars). 7 submissions from 7 submitters: Benign (6). 1 of the submissions does not count toward it. Last evaluated 2026-02-04.

Conditions:
Nemaline myopathy 2 (NEM2). Also called: Nemaline myopathy 2, autosomal recessive. Identifiers: MedGen C1850569, MONDO:0009725, OMIM 256030.

Allele frequency attached by ClinVar (database versions not stated): ESP Exome Variant Server 0.00008; gnomAD 0.00146 and 0.00241; gnomAD exomes 0.00178 and 0.00501; TOPMed 0.00255; ExAC 0.00526; 1000 Genomes Project 30x 0.01655; 1000 Genomes Project 0.01817.
gnomAD v4.1: 3,118 of 1,613,216 alleles (0.19%); highest among the groups gnomAD compares: East Asian, 5.5%; 77 homozygotes.

Submissions (7):

Labcorp Genetics (formerly Invitae), Labcorp
Classification: Benign for Nemaline myopathy 2. Last evaluated: 2026-02-04. Review status: criteria provided, single submitter. Criteria: Invitae Variant Classification Sherloc (09022015). Collection method: clinical testing. Allele origin: germline.

Mayo Clinic Laboratories, Mayo Clinic
Classification: Benign. Last evaluated: 2022-11-20. Review status: criteria provided, single submitter. Criteria: ACMG Guidelines, 2015. Collection method: clinical testing. Allele origin: germline. Observed: 5 variant alleles.

Illumina Laboratory Services, Illumina
Classification: Benign for Nemaline myopathy 2. Last evaluated: 2018-01-12. Review status: criteria provided, single submitter. Criteria: ICSL Variant Classification Criteria 13 December 2019. Collection method: clinical testing. Allele origin: germline.
Comment: This variant was observed in the ICSL laboratory as part of a predisposition screen in an ostensibly healthy population. It had not been previously curated by ICSL or reported in the Human Gene Mutation Database (HGMD: prior to June 1st, 2018), and was therefore a candidate for classification through an automated scoring system. Utilizing variant allele frequency, disease prevalence and penetrance estimates, and inheritance mode, an automated score was calculated to assess if this variant is too frequent to cause the disease. Based on the score and internal cut-off values, a variant classified as benign is not then subjected to further curation. The score for this variant resulted in a classification of benign for this disease.

GeneDx
Classification: Benign. Last evaluated: 2016-08-17. Review status: criteria provided, single submitter. Criteria: GeneDx Variant Classification (06012015). Collection method: clinical testing. Allele origin: germline. Affected: yes.
Comment: This variant is considered likely benign or benign based on one or more of the following criteria: it is a conservative change, it occurs at a poorly conserved position in the protein, it is predicted to be benign by multiple in silico algorithms, and/or has population frequency not consistent with disease.

Eurofins Ntd Llc (ga)
Classification: Benign. Last evaluated: 2015-08-28. Review status: criteria provided, single submitter. Criteria: EGL Classification Definitions 2015. Collection method: clinical testing. Allele origin: germline. Observed: 1 variant allele, 1 heterozygote.

PreventionGenetics, part of Exact Sciences
Classification: Benign. Review status: criteria provided, single submitter. Criteria: ACMG Guidelines, 2015. Collection method: clinical testing. Allele origin: germline.

Natera, Inc.
Classification: Benign for Nemaline myopathy type 2. Last evaluated: 2020-09-16. Review status: no assertion criteria provided. Collection method: clinical testing. Allele origin: germline. Not counted in ClinVar's aggregate classification.